The following is an entry in ClinVar:

ClinVar aggregate classification (germline): Benign (1 of 4 stars; one submission).

Allele frequency attached by ClinVar (database versions not stated): TOPMed 0.04085; 1000 Genomes Project 30x 0.03670; 1000 Genomes Project 0.03574; gnomAD 0.03829 and 0.04061.
gnomAD v4.1: 5,871 of 152,192 alleles (3.9%); highest among the groups gnomAD compares: African/African-American, 8.3%; 159 homozygotes.

Submissions (5):

GeneDx
Classification: Benign. Last evaluated: 2018-06-14. Review status: criteria provided, single submitter. Criteria: GeneDx Variant Classification (06012015). Collection method: clinical testing. Allele origin: germline. Affected: yes.
Comment: This variant is considered likely benign or benign based on one or more of the following criteria: it is a conservative change, it occurs at a poorly conserved position in the protein, it is predicted to be benign by multiple in silico algorithms, and/or has population frequency not consistent with disease.

Dr. Peter K. Rogan Lab, Western University
No classification provided (evidence only). Condition: Lung cancer. Review status: no classification provided. Collection method: in vitro. Allele origin: not applicable. Functional consequence: retained intron. Not counted in ClinVar's aggregate classification.

Dr. Peter K. Rogan Lab, Western University
No classification provided (evidence only). Condition: Uterine corpus endometrial carcinoma. Review status: no classification provided. Collection method: in vitro. Allele origin: not applicable. Functional consequence: retained intron. Not counted in ClinVar's aggregate classification.

Dr. Peter K. Rogan Lab, Western University
No classification provided (evidence only). Condition: Sarcoma. Review status: no classification provided. Collection method: in vitro. Allele origin: not applicable. Functional consequence: retained intron. Not counted in ClinVar's aggregate classification.

Dr. Peter K. Rogan Lab, Western University
No classification provided (evidence only). Condition: Ovarian serous cystadenocarcinoma. Review status: no classification provided. Collection method: in vitro. Allele origin: not applicable. Functional consequence: retained intron. Not counted in ClinVar's aggregate classification.

NM_000393.5(COL5A2):c.960+228G>A

Gene: COL5A2 (collagen type V alpha 2 chain; minus strand). Cytogenetic location: 2q32.2.
Variant type: single nucleotide variant.
Coding change: c.960+228G>A on transcript NM_000393.5 (MANE Select); 228 bases into the intron after coding-DNA position 960, G replaced by A.
Molecular consequence: intron variant.
Genome position (GRCh38, 1-based): chr2:189,079,750, C>T on the plus strand (G>A on the coding strand, the complement: COL5A2 is on the minus strand). VCF-style: chr2-189079750-C-T. GRCh37 (hg19) VCF-style: chr2-189944476-C-T.
Other names: NC_000002.11:g.189944476C>T.
Identifiers: ClinVar variation 672577 (VCV000672577.2), dbSNP rs13421370, ClinGen allele CA62563844.